The following is an entry in ClinVar:

ClinVar aggregate classification (germline): Uncertain significance (1 of 4 stars; one submission).

Conditions:
Arthrogryposis, distal, type 1A. Also called: ARTHROGRYPOSIS MULTIPLEX CONGENITA, DISTAL, TYPE I. Identifiers: Orphanet 1146, MedGen C6022280, MONDO:0007157, OMIM 108120.

Allele frequency attached by ClinVar (database versions not stated): gnomAD exomes below 0.00001; ExAC 0.00001.
gnomAD v4.1: 3 of 1,614,142 alleles (0.00019%); highest among the groups gnomAD compares: East Asian, 0.0022%; no homozygotes.

Submission:

Labcorp Genetics (formerly Invitae), Labcorp
Classification: Uncertain significance for Arthrogryposis, distal, type 1A. Last evaluated: 2023-09-22. Review status: criteria provided, single submitter. Criteria: Invitae Variant Classification Sherloc (09022015). Collection method: clinical testing. Allele origin: germline.
Comment: In summary, the available evidence is currently insufficient to determine the role of this variant in disease. Therefore, it has been classified as a Variant of Uncertain Significance. Variants that disrupt the consensus splice site are a relatively common cause of aberrant splicing (PMID: 17576681, 9536098). Algorithms developed to predict the effect of sequence changes on RNA splicing suggest that this variant may disrupt the consensus splice site. This variant has not been reported in the literature in individuals affected with TPM2-related conditions. This variant is present in population databases (rs768008767, gnomAD 0.003%). This sequence change falls in intron 3 of the TPM2 gene. It does not directly change the encoded amino acid sequence of the TPM2 protein. It affects a nucleotide within the consensus splice site.

Literature cited by the submitters: PubMed 17576681; PubMed 9536098.

NM_003289.4(TPM2):c.374+3G>A

Gene: TPM2 (tropomyosin 2; minus strand). Cytogenetic location: 9p13.3.
Variant type: single nucleotide variant.
Coding change: c.374+3G>A on transcript NM_003289.4 (MANE Select); 3 bases into the intron after coding-DNA position 374, G replaced by A.
Molecular consequence: intron variant.
Genome position (GRCh38, 1-based): chr9:35,685,644, C>T on the plus strand (G>A on the coding strand, the complement: TPM2 is on the minus strand). VCF-style: chr9-35685644-C-T. GRCh37 (hg19) VCF-style: chr9-35685641-C-T.
Other names: c.374+3G>A (NM_213674.1, NM_001301226.2, NM_001301227.2).
Identifiers: ClinVar variation 2894149 (VCV002894149.3), dbSNP rs768008767, ClinGen allele CA5047389.